The following is an entry in ClinVar:

ClinVar aggregate classification (germline): Uncertain significance (1 of 4 stars; one submission).

Allele frequency attached by ClinVar (database versions not stated): TOPMed below 0.00001; ExAC 0.00002.

Submission:

Labcorp Genetics (formerly Invitae), Labcorp
Classification: Uncertain significance. Last evaluated: 2022-12-22. Review status: criteria provided, single submitter. Criteria: Invitae Variant Classification Sherloc (09022015). Collection method: clinical testing. Allele origin: germline.
Comment: The frequency data for this variant in the population databases is considered unreliable, as metrics indicate poor data quality at this position in the gnomAD database. This sequence change replaces aspartic acid, which is acidic and polar, with glutamic acid, which is acidic and polar, at codon 987 of the CACNA2D4 protein (p.Asp987Glu). This variant has not been reported in the literature in individuals affected with CACNA2D4-related conditions. In summary, the available evidence is currently insufficient to determine the role of this variant in disease. Therefore, it has been classified as a Variant of Uncertain Significance. Algorithms developed to predict the effect of missense changes on protein structure and function output the following: SIFT: "Tolerated"; PolyPhen-2: "Benign"; Align-GVGD: "Class C0". The glutamic acid amino acid residue is found in multiple mammalian species, which suggests that this missense change does not adversely affect protein function.

NM_172364.5(CACNA2D4):c.2961C>A (p.Asp987Glu)

Gene: CACNA2D4 (calcium voltage-gated channel auxiliary subunit alpha2delta 4; minus strand). Cytogenetic location: 12p13.33.
Variant type: single nucleotide variant.
Coding change: c.2961C>A on transcript NM_172364.5 (MANE Select); coding-DNA position 2961, C replaced by A.
Protein change: p.Asp987Glu; replaces aspartic acid 987 with glutamic acid.
Molecular consequence: missense variant.
Genome position (GRCh38, 1-based): chr12:1,800,013, G>T on the plus strand (C>A on the coding strand, the complement: CACNA2D4 is on the minus strand). VCF-style: chr12-1800013-G-T. GRCh37 (hg19) VCF-style: chr12-1909179-G-T.
Other names: short protein forms D987E.
Identifiers: ClinVar variation 2815277 (VCV002815277.3), dbSNP rs746268887, ClinGen allele CA6386125.